The following is an entry in ClinVar:

NM_016239.4(MYO15A):c.7926G>A (p.Pro2642=)

Gene: MYO15A (myosin XVA; plus strand). Cytogenetic location: 17p11.2.
Variant type: single nucleotide variant.
Coding change: c.7926G>A on transcript NM_016239.4 (MANE Select); coding-DNA position 7926, G replaced by A.
Protein change: p.Pro2642=; no amino-acid change (proline 2642 retained).
Molecular consequence: synonymous variant.
Genome position (GRCh38, 1-based): chr17:18,152,144, G>A. VCF-style: chr17-18152144-G-A. GRCh37 (hg19) VCF-style: chr17-18055458-G-A.
Identifiers: ClinVar variation 504633 (VCV000504633.16), dbSNP rs372373045, ClinGen allele CA8424977.
Genomic context (GRCh38, chr17:18,152,144, plus strand): 5'-CCTGAGCAGTCTCTTTGGGGTGGGACAGGTGTCCAGAGAGGCCGTGGCCCTGGTGAAGCC[G>A]GTGACCAGTGCACCAAGGCCATCCATGGCACCCACTTCAGGTGAGAGGGCCAGGAGGGAG-3'
Protein context (NP_057323.3, residues 2632-2652): VSREAVALVK[Pro2642=]VTSAPRPSMA

ClinVar aggregate classification (germline): Likely benign. Review status: criteria provided, multiple submitters, no conflicts (2 of 4 stars). 4 submissions from 4 submitters: Likely benign (4). Last evaluated 2024-03-02.

Allele frequency attached by ClinVar (database versions not stated): gnomAD exomes 0.00004 and 0.00013; ESP Exome Variant Server 0.00017; ExAC 0.00021; gnomAD 0.00025 and 0.00026; TOPMed 0.00028; 1000 Genomes Project 30x 0.00047; 1000 Genomes Project 0.00060.
gnomAD v4.1: 104 of 1,551,672 alleles (0.0067%); highest among the groups gnomAD compares: African/African-American, 0.075%; no homozygotes.

Submissions (4):

Labcorp Genetics (formerly Invitae), Labcorp
Classification: Likely benign. Last evaluated: 2024-03-02. Review status: criteria provided, single submitter. Criteria: Invitae Variant Classification Sherloc (09022015). Collection method: clinical testing. Allele origin: germline.

Blueprint Genetics
Classification: Likely benign. Last evaluated: 2024-01-04. Review status: criteria provided, single submitter. Criteria: ACMG Guidelines, 2015. Collection method: clinical testing. Allele origin: germline.

GeneDx
Classification: Likely benign. Last evaluated: 2020-12-16. Review status: criteria provided, single submitter. Criteria: GeneDx Variant Classification Process June 2021. Collection method: clinical testing. Allele origin: germline. Affected: yes.

Laboratory for Molecular Medicine, Mass General Brigham Personalized Medicine
Classification: Likely benign. Last evaluated: 2017-03-16. Review status: criteria provided, single submitter. Criteria: LMM Criteria. Collection method: clinical testing. Allele origin: germline. Observed: 1 variant allele.
Comment: p.Pro2642Pro in exon 42 of MYO15A: This variant is not expected to have clinical significance because it does not alter an amino acid residue, is not located wi thin the splice consensus sequence, and has been identified in 0.1% (15/16448) o f African chromosomes by the Genome Aggregation Database (gnomAD.; dbSNP rs372373045)